The following is an entry in ClinVar:

NM_005876.5(SPEG):c.4146C>T (p.His1382=)

Gene: SPEG (striated muscle enriched protein kinase; plus strand). Cytogenetic location: 2q35.
Variant type: single nucleotide variant.
Coding change: c.4146C>T on transcript NM_005876.5 (MANE Select); coding-DNA position 4146, C replaced by T.
Protein change: p.His1382=; no amino-acid change (histidine 1382 retained).
Molecular consequence: synonymous variant.
Genome position (GRCh38, 1-based): chr2:219,473,095, C>T. VCF-style: chr2-219473095-C-T. GRCh37 (hg19) VCF-style: chr2-220337817-C-T.
Identifiers: ClinVar variation 1477476 (VCV001477476.6), dbSNP rs528632562, ClinGen allele CA2126396.
Genomic context (GRCh38, chr2:219,473,095, plus strand): 5'-CACTGTCAAGAGCAGCAGCAAGCCCTCACCCCCTTCTGAGCCTGTGCAGCTGCTGGAGCA[C>T]GGTGAGCCTGGGTGCTCCTGTCGGGTGGGGGTGGGAGCTGCTGGGATGGGGAATGGGGGC-3'
Protein context (NP_005867.3, residues 1372-1392): PPSEPVQLLE[His1382=]GPTLEEAPAM

ClinVar aggregate classification (germline): Conflicting classifications of pathogenicity. Review status: criteria provided, conflicting classifications (1 of 4 stars). 2 submissions from 2 submitters: Uncertain significance (1); Likely benign (1). Last evaluated 2024-10-15.

Allele frequency attached by ClinVar (database versions not stated): ExAC 0.00010; gnomAD 0.00015 and 0.00018; 1000 Genomes Project 30x 0.00016; gnomAD exomes 0.00017; 1000 Genomes Project 0.00020; TOPMed 0.00027.
gnomAD v4.1: 235 of 1,613,232 alleles (0.015%); highest among the groups gnomAD compares: Middle Eastern, 0.17%; no homozygotes.

Submissions (2):

Blueprint Genetics
Classification: Likely benign. Last evaluated: 2024-10-15. Review status: criteria provided, single submitter. Criteria: ACMG Guidelines, 2015. Collection method: clinical testing. Allele origin: germline.

Labcorp Genetics (formerly Invitae), Labcorp
Classification: Uncertain significance. Last evaluated: 2022-08-23. Review status: criteria provided, single submitter. Criteria: Invitae Variant Classification Sherloc (09022015). Collection method: clinical testing. Allele origin: germline.
Comment: This sequence change affects codon 1382 of the SPEG mRNA. It is a 'silent' change, meaning that it does not change the encoded amino acid sequence of the SPEG protein. It affects a nucleotide within the consensus splice site. This variant is present in population databases (rs528632562, gnomAD 0.06%). This variant has not been reported in the literature in individuals affected with SPEG-related conditions. ClinVar contains an entry for this variant (Variation ID: 1477476). Algorithms developed to predict the effect of sequence changes on RNA splicing suggest that this variant is not likely to affect RNA splicing. In summary, the available evidence is currently insufficient to determine the role of this variant in disease. Therefore, it has been classified as a Variant of Uncertain Significance.